The following is an entry in ClinVar:

ClinVar aggregate classification (germline): Conflicting classifications of pathogenicity. Review status: criteria provided, conflicting classifications (1 of 4 stars). 3 submissions from 3 submitters: Uncertain significance (2); Likely benign (1). Last evaluated 2024-12-20.

Conditions:
Hereditary cancer-predisposing syndrome. Also called: Neoplastic Syndromes, Hereditary; Hereditary Cancer Syndrome; Hereditary neoplastic syndrome; Tumor predisposition. Identifiers: Orphanet 140162, MedGen C0027672, MeSH D009386, MONDO:0015356.
Ataxia-telangiectasia syndrome (AT). Also called: Ataxia-telangiectasia, complementation group E; Cerebello-oculocutaneous telangiectasia; Immunodeficiency with ataxia telangiectasia; Ataxia-telangiectasia, complementation group D; AT, COMPLEMENTATION GROUP C; Ataxia-telangiectasia. Identifiers: Orphanet 100, MedGen C0004135, MONDO:0008840, OMIM 208900.
Familial cancer of breast. Also called: hereditary breast carcinoma; BREAST CANCER, FAMILIAL; Hereditary breast cancer. Identifiers: Orphanet 227535, MedGen C0346153, MONDO:0016419, OMIM 114480. Disease mechanism: loss of function.

Submissions (3):

Ambry Genetics
Classification: Uncertain significance for Hereditary cancer-predisposing syndrome. Last evaluated: 2024-12-20. Review status: criteria provided, single submitter. Criteria: Ambry Variant Classification Scheme 2023. Collection method: clinical testing. Allele origin: germline.
Comment: The c.4909+5T>C intronic variant results from a T to C substitution 5 nucleotides after coding exon 31 in the ATM gene. This nucleotide position is not well conserved in available vertebrate species. In silico splice site analysis for this alteration is inconclusive. Based on the available evidence, the clinical significance of this variant remains unclear.

Labcorp Genetics (formerly Invitae), Labcorp
Classification: Likely benign for Ataxia-telangiectasia syndrome. Last evaluated: 2024-07-15. Review status: criteria provided, single submitter. Criteria: Invitae Variant Classification Sherloc (09022015). Collection method: clinical testing. Allele origin: germline.

Baylor Genetics
Classification: Uncertain significance for Familial cancer of breast. Last evaluated: 2022-01-27. Review status: criteria provided, single submitter. Criteria: ACMG Guidelines, 2015. Collection method: clinical testing. Allele origin: unknown.

NM_000051.4(ATM):c.4909+5T>C

Gene: ATM (ATM serine/threonine kinase; plus strand). Cytogenetic location: 11q22.3.
Variant type: single nucleotide variant.
Coding change: c.4909+5T>C on transcript NM_000051.4 (MANE Select); 5 bases into the intron after coding-DNA position 4909, T replaced by C.
Molecular consequence: intron variant.
Genome position (GRCh38, 1-based): chr11:108,295,064, T>C. VCF-style: chr11-108295064-T-C. GRCh37 (hg19) VCF-style: chr11-108165791-T-C.
Other names: c.4909+5T>C (NM_001351834.2).
Identifiers: ClinVar variation 854269 (VCV000854269.11), dbSNP rs2083048367, ClinGen allele CA916080484.